The following is an entry in ClinVar:

ClinVar aggregate classification (germline): Benign/Likely benign. Review status: criteria provided, multiple submitters, no conflicts (2 of 4 stars). 9 submissions from 9 submitters: Benign (5); Likely benign (1). 3 of the submissions do not count toward it. Last evaluated 2026-02-02.

Conditions:
Distal arthrogryposis type 2B1 (DA2B1). Also called: Arthrogryposis multiplex congenita distal type II with craniofacial abnormalities. Identifiers: Orphanet 1147, MedGen C5193014, MONDO:0020820, OMIM 601680.

Allele frequency attached by ClinVar (database versions not stated): ESP Exome Variant Server 0.11446; TOPMed 0.11804; gnomAD 0.12344 and 0.12645; 1000 Genomes Project 30x 0.13132; 1000 Genomes Project 0.13698; ExAC 0.14524.
gnomAD v4.1: 237,011 of 1,612,734 alleles (15%); highest among the groups gnomAD compares: East Asian, 33%; 19,331 homozygotes.

Submissions (9):

Labcorp Genetics (formerly Invitae), Labcorp
Classification: Benign. Last evaluated: 2026-02-02. Review status: criteria provided, single submitter. Criteria: Invitae Variant Classification Sherloc (09022015). Collection method: clinical testing. Allele origin: germline.

GeneDx
Classification: Benign. Last evaluated: 2018-11-12. Review status: criteria provided, single submitter. Criteria: GeneDx Variant Classification Process June 2021. Collection method: clinical testing. Allele origin: germline. Affected: yes.

Illumina Laboratory Services, Illumina
Classification: Benign for Distal arthrogryposis type 2B1. Last evaluated: 2018-01-13. Review status: criteria provided, single submitter. Criteria: ICSL Variant Classification Criteria 13 December 2019. Collection method: clinical testing. Allele origin: germline.
Comment: This variant was observed in the ICSL laboratory as part of a predisposition screen in an ostensibly healthy population. It had not been previously curated by ICSL or reported in the Human Gene Mutation Database (HGMD: prior to June 1st, 2018), and was therefore a candidate for classification through an automated scoring system. Utilizing variant allele frequency, disease prevalence and penetrance estimates, and inheritance mode, an automated score was calculated to assess if this variant is too frequent to cause the disease. Based on the score and internal cut-off values, a variant classified as benign is not then subjected to further curation. The score for this variant resulted in a classification of benign for this disease.

Genetic Services Laboratory, University of Chicago
Classification: Benign for AllHighlyPenetrant. Last evaluated: 2013-08-15. Review status: criteria provided, single submitter. Criteria: ACMG Guidelines, 2007. Collection method: clinical testing. Allele origin: germline. Inheritance: Autosomal dominant inheritance.

Breakthrough Genomics
Classification: Likely benign. Review status: criteria provided, single submitter. Criteria: ACMG Guidelines, 2015. Collection method: not provided. Allele origin: germline. Inheritance: Autosomal dominant inheritance. Affected: yes.

PreventionGenetics, part of Exact Sciences
Classification: Benign. Review status: criteria provided, single submitter. Criteria: ACMG Guidelines, 2015. Collection method: clinical testing. Allele origin: germline.

Leiden Muscular Dystrophy (TNNT3)
No classification provided. Last evaluated: 2012-03-18. Review status: no classification provided. Collection method: curation. Allele origin: germline. Not counted in ClinVar's aggregate classification.

Clinical Genetics, Academic Medical Center
Classification: Benign. Review status: no assertion criteria provided. Collection method: clinical testing. Allele origin: germline. Affected: yes. Study: VKGL Data-share Consensus. Not counted in ClinVar's aggregate classification.

Diagnostic Laboratory, Department of Genetics, University Medical Center Groningen
Classification: Benign for Distal arthrogryposis type 2B1. Review status: no assertion criteria provided. Collection method: clinical testing. Allele origin: germline. Affected: yes. Study: VKGL Data-share Consensus. Not counted in ClinVar's aggregate classification.

NM_006757.4(TNNT3):c.762C>T (p.Gly254=)

Gene: TNNT3 (troponin T3, fast skeletal type; plus strand). Cytogenetic location: 11p15.5.
Variant type: single nucleotide variant.
Coding change: c.762C>T on transcript NM_006757.4 (MANE Select); coding-DNA position 762, C replaced by T.
Protein change: p.Gly254=; no amino-acid change (glycine 254 retained).
Molecular consequence: synonymous variant.
Genome position (GRCh38, 1-based): chr11:1,938,477, C>T. VCF-style: chr11-1938477-C-T. GRCh37 (hg19) VCF-style: chr11-1959707-C-T.
Other names: c.738C>T, p.Gly246= (NM_001042780.3, NM_001042782.3, NM_001297646.2 and 2 more transcripts); c.756C>T, p.Gly252= (NM_001042781.3, NM_001367842.1, NM_001367843.1); c.771C>T, p.Gly257= (NM_001363561.2, NM_001367847.1); c.795C>T, p.Gly265= (NM_001367846.1); c.759C>T, p.Gly253= (NM_001367848.1); c.750C>T, p.Gly250= (NM_001367849.1); c.705C>T, p.Gly235= (NM_001367850.1); c.558C>T, p.Gly186= (NM_001367851.1, NM_001367852.1).
Identifiers: ClinVar variation 31872 (VCV000031872.22), dbSNP rs4727, ClinGen allele CA155748.